The following is an entry in ClinVar:

NM_000455.5(STK11):c.847T>A (p.Ser283Thr)

Gene: STK11 (serine/threonine kinase 11; plus strand). Cytogenetic location: 19p13.3.
Variant type: single nucleotide variant.
Coding change: c.847T>A on transcript NM_000455.5 (MANE Select); coding-DNA position 847, T replaced by A.
Protein change: p.Ser283Thr; replaces serine 283 with threonine.
Molecular consequence: missense variant. On other transcripts: non-coding transcript variant (1).
Genome position (GRCh38, 1-based): chr19:1,221,325, T>A. VCF-style: chr19-1221325-T-A. GRCh37 (hg19) VCF-style: chr19-1221324-T-A.
Other names: c.847T>A, p.Ser283Thr (NM_001407255.1); short protein forms S283T.
Identifiers: ClinVar variation 3720414 (VCV003720414.2).

ClinVar aggregate classification (germline): Uncertain significance (1 of 4 stars; one submission).

Conditions:
Peutz-Jeghers syndrome (PJS). Also called: POLYPOSIS, HAMARTOMATOUS INTESTINAL; POLYPS-AND-SPOTS SYNDROME; Peutz-Jeghers polyposis; Periorificial lentiginosis syndrome. Identifiers: Orphanet 2869, MedGen C0031269, MeSH D010580, MONDO:0008280, OMIM 175200.

Submission:

Labcorp Genetics (formerly Invitae), Labcorp
Classification: Uncertain significance for Peutz-Jeghers syndrome. Last evaluated: 2024-12-19. Review status: criteria provided, single submitter. Criteria: Invitae Variant Classification Sherloc (09022015). Collection method: clinical testing. Allele origin: germline.
Comment: This sequence change replaces serine, which is neutral and polar, with threonine, which is neutral and polar, at codon 283 of the STK11 protein (p.Ser283Thr). This variant is not present in population databases (gnomAD no frequency). This variant has not been reported in the literature in individuals affected with STK11-related conditions. Invitae Evidence Modeling of protein sequence and biophysical properties (such as structural, functional, and spatial information, amino acid conservation, physicochemical variation, residue mobility, and thermodynamic stability) indicates that this missense variant is not expected to disrupt STK11 protein function with a negative predictive value of 95%. In summary, the available evidence is currently insufficient to determine the role of this variant in disease. Therefore, it has been classified as a Variant of Uncertain Significance.